The following is an entry in ClinVar:

NM_001189.4(NKX3-2):c.336G>A (p.Gly112=)

Gene: NKX3-2 (NK3 homeobox 2; minus strand). Cytogenetic location: 4p15.33.
Variant type: single nucleotide variant.
Coding change: c.336G>A on transcript NM_001189.4 (MANE Select); coding-DNA position 336, G replaced by A.
Protein change: p.Gly112=; no amino-acid change (glycine 112 retained).
Molecular consequence: synonymous variant.
Genome position (GRCh38, 1-based): chr4:13,544,079, C>T on the plus strand (G>A on the coding strand, the complement: NKX3-2 is on the minus strand). VCF-style: chr4-13544079-C-T. GRCh37 (hg19) VCF-style: chr4-13545703-C-T.
Other names: c.336G>A (NM_001189.3).
Identifiers: ClinVar variation 2061946 (VCV002061946.7), dbSNP rs771590977, ClinGen allele CA2860415.

ClinVar aggregate classification (germline): Likely benign. Review status: criteria provided, multiple submitters, no conflicts (2 of 4 stars). 3 submissions from 3 submitters: Likely benign (2). 1 of the submissions does not count toward it. Last evaluated 2026-07-01.

Conditions:
NKX3-2-related disorder. Also called: NKX3-2-related condition.

Allele frequency attached by ClinVar (database versions not stated): gnomAD 0.00003; gnomAD exomes 0.00004; ExAC 0.00017.

Submissions (3):

CeGaT Center for Human Genetics Tuebingen
Classification: Likely benign. Last evaluated: 2026-07-01. Review status: criteria provided, single submitter. Criteria: CeGaT Center For Human Genetics Tuebingen Variant Classification Criteria Version 2. Collection method: clinical testing. Allele origin: germline. Affected: yes. Observed: 1 variant allele.
Comment: NKX3-2: BP4, BP7

Labcorp Genetics (formerly Invitae), Labcorp
Classification: Likely benign. Last evaluated: 2025-10-04. Review status: criteria provided, single submitter. Criteria: Invitae Variant Classification Sherloc (09022015). Collection method: clinical testing. Allele origin: germline.

PreventionGenetics, part of Exact Sciences
Classification: Likely benign for NKX3-2-related condition. Last evaluated: 2019-04-01. Review status: no assertion criteria provided. Collection method: clinical testing. Allele origin: germline. Not counted in ClinVar's aggregate classification.
Comment: This variant is classified as likely benign based on ACMG/AMP sequence variant interpretation guidelines (Richards et al. 2015 PMID: 25741868, with internal and published modifications).